The following is an entry in ClinVar:

NM_004260.4(RECQL4):c.1770_1807del (p.Pro591fs)

Gene: RECQL4 (RecQ like helicase 4; minus strand). Cytogenetic location: 8q24.3.
Variant type: Deletion.
Coding change: c.1770_1807del on transcript NM_004260.4 (MANE Select); coding-DNA positions 1770 to 1807, 38 bases deleted.
Protein change: p.Pro591fs; shifts the reading frame from proline 591.
Molecular consequence: frameshift variant.
Genome position (GRCh38, 1-based): chr8:144,514,260-144,514,297, 38 bases deleted; deleting any 38 consecutive bases within chr8:144,514,260-144,514,301 gives the same sequence; the c. name uses the placement nearest the transcript's 3' end. GRCh37 (hg19): chr8:145,739,648-145,739,685.
Other names: c.1770_1807delCCCTCCAGCCGCACAGCTGCCTCCAGTTGCTTTTGCCT (NM_004260.3); short protein forms P591fs.
Identifiers: ClinVar variation 575425 (VCV000575425.9), dbSNP rs780542343, ClinGen allele CA4948650.

ClinVar aggregate classification (germline): Pathogenic. Review status: criteria provided, multiple submitters, no conflicts (2 of 4 stars). 2 submissions from 2 submitters: Pathogenic (2). Last evaluated 2025-04-28.

Conditions:
Rothmund-Thomson syndrome type 2 (RTS2). Identifiers: Orphanet 221016, MedGen C5203410, MONDO:0016369, OMIM 268400.
Rapadilino syndrome. Identifiers: Orphanet 3021, MedGen C1849453, MONDO:0009955, OMIM 266280.
Baller-Gerold syndrome (BGS). Also called: CRANIOSYNOSTOSIS WITH RADIAL DEFECTS. Identifiers: Orphanet 1225, MedGen C0265308, MONDO:0009039, OMIM 218600.

Submissions (2):

Labcorp Genetics (formerly Invitae), Labcorp
Classification: Pathogenic for Baller-Gerold syndrome. Last evaluated: 2025-04-28. Review status: criteria provided, single submitter. Criteria: Invitae Variant Classification Sherloc (09022015). Collection method: clinical testing. Allele origin: germline.
Comment: This sequence change creates a premature translational stop signal (p.Pro591Hisfs*2) in the RECQL4 gene. It is expected to result in an absent or disrupted protein product. Loss-of-function variants in RECQL4 are known to be pathogenic (PMID: 12734318, 12952869). This variant is present in population databases (rs780542343, gnomAD 0.02%). This premature translational stop signal has been observed in individual(s) with Rothmund-Thomson syndrome (PMID: 29462647). In at least one individual the data is consistent with being in trans (on the opposite chromosome) from a pathogenic variant. ClinVar contains an entry for this variant (Variation ID: 575425). For these reasons, this variant has been classified as Pathogenic.

Juno Genomics, Hangzhou Juno Genomics, Inc
Classification: Pathogenic for Baller-Gerold syndrome; Rapadilino syndrome; Rothmund-Thomson syndrome type 2. Review status: criteria provided, single submitter. Criteria: ACMG Guidelines, 2015. Collection method: clinical testing. Allele origin: germline.
Comment: Absent from controls (or at extremely low frequency if recessive) in Genome Aggregation Database.;Null variant in a gene where loss of function (LOF) is a known mechanism of disease.;For recessive disorders, detected in trans with a pathogenic variant.

Literature cited by the submitters: PubMed 12734318 (cited by Labcorp Genetics (formerly Invitae), Labcorp); PubMed 12952869 (cited by Labcorp Genetics (formerly Invitae), Labcorp); PubMed 29462647 (cited by Labcorp Genetics (formerly Invitae), Labcorp).